The following is an entry in ClinVar:

NM_002863.5(PYGL):c.2341T>C (p.Tyr781His)

Gene: PYGL (glycogen phosphorylase L; minus strand). Cytogenetic location: 14q22.1.
Variant type: single nucleotide variant.
Coding change: c.2341T>C on transcript NM_002863.5 (MANE Select); coding-DNA position 2341, T replaced by C.
Protein change: p.Tyr781His; replaces tyrosine 781 with histidine.
Molecular consequence: missense variant.
Genome position (GRCh38, 1-based): chr14:50,908,309, A>G on the plus strand (T>C on the coding strand, the complement: PYGL is on the minus strand). VCF-style: chr14-50908309-A-G. GRCh37 (hg19) VCF-style: chr14-51375027-A-G.
Other names: c.2239T>C, p.Tyr747His (NM_001163940.2); short protein forms Y747H, Y781H.
Identifiers: ClinVar variation 1470202 (VCV001470202.6), dbSNP rs2142785955, ClinGen allele CA389680723.

ClinVar aggregate classification (germline): Uncertain significance (1 of 4 stars; one submission).

Conditions:
Glycogen storage disease, type VI (GSD6). Also called: HERS DISEASE; PHOSPHORYLASE DEFICIENCY GLYCOGEN-STORAGE DISEASE OF LIVER; Glycogen storage disease type 6; Hepatic glycogen phosphorylase deficiency; Glycogen storage disease type 6, due to phosphorylation; GSD VI. Identifiers: Orphanet 369, MedGen C0017925, MONDO:0009294, OMIM 232700.

Submission:

Labcorp Genetics (formerly Invitae), Labcorp
Classification: Uncertain significance for Glycogen storage disease, type VI. Last evaluated: 2021-11-23. Review status: criteria provided, single submitter. Criteria: Invitae Variant Classification Sherloc (09022015). Collection method: clinical testing. Allele origin: germline.
Comment: In summary, the available evidence is currently insufficient to determine the role of this variant in disease. Therefore, it has been classified as a Variant of Uncertain Significance. Algorithms developed to predict the effect of missense changes on protein structure and function (SIFT, PolyPhen-2, Align-GVGD) all suggest that this variant is likely to be disruptive. This variant has not been reported in the literature in individuals affected with PYGL-related conditions. This variant is not present in population databases (gnomAD no frequency). This sequence change replaces tyrosine, which is neutral and polar, with histidine, which is basic and polar, at codon 781 of the PYGL protein (p.Tyr781His).